The following is an entry in ClinVar:

NM_020458.4(TTC7A):c.2233C>G (p.His745Asp)

Gene: TTC7A (tetratricopeptide repeat domain 7A; plus strand). Cytogenetic location: 2p21.
Variant type: single nucleotide variant.
Coding change: c.2233C>G on transcript NM_020458.4 (MANE Select); coding-DNA position 2233, C replaced by G.
Protein change: p.His745Asp; replaces histidine 745 with aspartic acid.
Molecular consequence: missense variant.
Genome position (GRCh38, 1-based): chr2:47,060,849, C>G. VCF-style: chr2-47060849-C-G. GRCh37 (hg19) VCF-style: chr2-47287988-C-G.
Other names: c.2305C>G, p.His769Asp (NM_001288951.2); c.2131C>G, p.His711Asp (NM_001288953.2); c.1171C>G, p.His391Asp (NM_001288955.2); short protein forms H711D, H745D, H769D, H391D.
Identifiers: ClinVar variation 1404374 (VCV001404374.8), dbSNP rs765413715, ClinGen allele CA346714834.
Genomic context (GRCh38, chr2:47,060,849, plus strand): 5'-CAGCACCTCAAGGAAGCAGGTTTCTGCATCCAGGAGGCGGCGGGCCTCTTCCCCACTTCT[C>G]ACTCAGTACTCTATATGCGGGGCCGGCTGGCTGAGGTGAAGGGCAACCTGGAGGAGGCCA-3'
Protein context (NP_065191.2, residues 735-755): QEAAGLFPTS[His745Asp]SVLYMRGRLA

ClinVar aggregate classification (germline): Uncertain significance (1 of 4 stars; one submission).

Conditions:
Multiple gastrointestinal atresias. Also called: Multiple intestinal atresia; FAMILIAL INTESTINAL POLYATRESIA SYNDROME. Identifiers: Orphanet 2300, MedGen C0220744, MONDO:0009465.

Allele frequency attached by ClinVar (database versions not stated): TOPMed below 0.00001.

Submission:

Labcorp Genetics (formerly Invitae), Labcorp
Classification: Uncertain significance for Multiple gastrointestinal atresias. Last evaluated: 2021-07-04. Review status: criteria provided, single submitter. Criteria: Invitae Variant Classification Sherloc (09022015). Collection method: clinical testing. Allele origin: germline.
Comment: Algorithms developed to predict the effect of missense changes on protein structure and function are either unavailable or do not agree on the potential impact of this missense change (SIFT: "Tolerated"; PolyPhen-2: "Probably Damaging"; Align-GVGD: "Class C0"). In summary, the available evidence is currently insufficient to determine the role of this variant in disease. Therefore, it has been classified as a Variant of Uncertain Significance. This variant has not been reported in the literature in individuals affected with TTC7A-related conditions. This sequence change replaces histidine with aspartic acid at codon 745 of the TTC7A protein (p.His745Asp). The histidine residue is moderately conserved and there is a moderate physicochemical difference between histidine and aspartic acid. This variant is not present in population databases (ExAC no frequency).